The following is an entry in ClinVar:

ClinVar aggregate classification (germline): Uncertain significance. Review status: criteria provided, multiple submitters, no conflicts (2 of 4 stars). 3 submissions from 3 submitters: Uncertain significance (3). Last evaluated 2026-06-24.

Conditions:
Inborn genetic diseases. Identifiers: MedGen C0950123, MeSH D030342.

Allele frequency attached by ClinVar (database versions not stated): TOPMed 0.00001.

Submissions (3):

Ambry Genetics
Classification: Uncertain significance for Inborn genetic diseases. Last evaluated: 2026-06-24. Review status: criteria provided, single submitter. Criteria: Ambry Variant Classification Scheme 2023. Collection method: clinical testing. Allele origin: germline.

GeneDx
Classification: Uncertain significance. Last evaluated: 2026-01-06. Review status: criteria provided, single submitter. Criteria: GeneDx Variant Classification Process June 2021. Collection method: clinical testing. Allele origin: germline.
Comment: Not observed at significant frequency in large population cohorts (gnomAD); In silico analysis suggests that this missense variant does not alter protein structure/function; Has not been previously published as pathogenic or benign to our knowledge

Eurofins Ntd Llc (ga)
Classification: Uncertain significance. Last evaluated: 2016-05-17. Review status: criteria provided, single submitter. Criteria: EGL Classification Definitions 2015. Collection method: clinical testing. Allele origin: germline. Observed: 1 variant allele, 1 hemizygote.

NM_001079872.2(CUL4B):c.598C>A (p.Gln200Lys)

Gene: CUL4B (cullin 4B; minus strand). Cytogenetic location: Xq24.
Variant type: single nucleotide variant.
Coding change: c.598C>A on transcript NM_001079872.2 (MANE Select); coding-DNA position 598, C replaced by A.
Protein change: p.Gln200Lys; replaces glutamine 200 with lysine.
Molecular consequence: missense variant.
Genome position (GRCh38, 1-based): chrX:120,557,998, G>T on the plus strand (C>A on the coding strand, the complement: CUL4B is on the minus strand). VCF-style: chrX-120557998-G-T. GRCh37 (hg19) VCF-style: chrX-119691853-G-T.
Other names: c.613C>A, p.Gln205Lys (NM_001330624.2); c.64C>A, p.Gln22Lys (NM_001369145.1); c.652C>A, p.Gln218Lys (NM_003588.4); c.652C>A (NM_003588.3); short protein forms Q218K, Q22K, Q200K, Q205K.
Identifiers: ClinVar variation 288023 (VCV000288023.8), dbSNP rs886043788, ClinGen allele CA10605948.